The following is an entry in ClinVar:

NM_181523.3(PIK3R1):c.306G>A (p.Ser102=)

Gene: PIK3R1 (phosphoinositide-3-kinase regulatory subunit 1; plus strand). Cytogenetic location: 5q13.1.
Variant type: single nucleotide variant.
Coding change: c.306G>A on transcript NM_181523.3 (MANE Select); coding-DNA position 306, G replaced by A.
Protein change: p.Ser102=; no amino-acid change (serine 102 retained).
Molecular consequence: synonymous variant.
Genome position (GRCh38, 1-based): chr5:68,226,981, G>A. VCF-style: chr5-68226981-G-A. GRCh37 (hg19) VCF-style: chr5-67522809-G-A.
Other names: p.Ser102=.
Identifiers: ClinVar variation 1165262 (VCV001165262.11), dbSNP rs538021528, ClinGen allele CA3289969.

ClinVar aggregate classification (germline): Benign/Likely benign. Review status: criteria provided, multiple submitters, no conflicts (2 of 4 stars). 3 submissions from 3 submitters: Benign (1); Likely benign (2). Last evaluated 2025-12-26.

Conditions:
Agammaglobulinemia 7, autosomal recessive (AGM7). Also called: AGAMMAGLOBULINEMIA, AUTOSOMAL RECESSIVE, DUE TO PIK3R1 DEFECT. Identifiers: MedGen C3554689, MONDO:0014083, OMIM 615214.
SHORT syndrome. Also called: PIK3R1-Related SHORT Syndrome; SHORT STATURE, HYPEREXTENSIBILITY, HERNIA, OCULAR DEPRESSION, RIEGER ANOMALY, AND TEETHING DELAY; LIPODYSTROPHY, PARTIAL, WITH RIEGER ANOMALY AND SHORT STATURE. Identifiers: Orphanet 3163, MedGen C0878684, MONDO:0010026, OMIM 269880.
Immunodeficiency 36 with lymphoproliferation. Also called: ACTIVATED PI3K-DELTA SYNDROME 2; Immunodeficiency 36; Activated PI3K Delta Syndrome Type 2 (APDS2). Identifiers: Orphanet 397596, Orphanet 693681, MedGen C4014934, MONDO:0014453, OMIM 616005.

Allele frequency attached by ClinVar (database versions not stated): gnomAD 0.00011 and 0.00013; gnomAD exomes 0.00011 and 0.00044; TOPMed 0.00021; ExAC 0.00035; 1000 Genomes Project 0.00080; 1000 Genomes Project 30x 0.00094.
gnomAD v4.1: 187 of 1,612,760 alleles (0.012%); highest among the groups gnomAD compares: Admixed American, 0.17%; no homozygotes.

Submissions (3):

Labcorp Genetics (formerly Invitae), Labcorp
Classification: Benign for SHORT syndrome; Immunodeficiency 36 with lymphoproliferation; Agammaglobulinemia 7, autosomal recessive. Last evaluated: 2025-12-26. Review status: criteria provided, single submitter. Criteria: Invitae Variant Classification Sherloc (09022015). Collection method: clinical testing. Allele origin: germline.

Mayo Clinic Laboratories, Mayo Clinic
Classification: Likely benign. Last evaluated: 2025-05-06. Review status: criteria provided, single submitter. Criteria: ACMG Guidelines, 2015. Collection method: clinical testing. Allele origin: germline. Observed: 2 variant alleles.
Comment: BS1, BP4, BP7

Blueprint Genetics
Classification: Likely benign. Last evaluated: 2023-09-26. Review status: criteria provided, single submitter. Criteria: ACMG Guidelines, 2015. Collection method: clinical testing. Allele origin: germline.